The following is an entry in ClinVar:

ClinVar aggregate classification (germline): Conflicting classifications of pathogenicity. Review status: criteria provided, conflicting classifications (1 of 4 stars). 5 submissions from 5 submitters: Uncertain significance (4); Likely benign (1). Last evaluated 2026-03-08.

Conditions:
EYA1-related disorder. Also called: EYA1-related condition.
Branchiootic syndrome 1 (BOS1). Also called: BO SYNDROME 1; BRANCHIOOTIC DYSPLASIA. Identifiers: MedGen C1865143, MONDO:0011258, OMIM 602588.
Branchiootorenal syndrome 1. Also called: Branchio-Oto-Renal Syndrome 1. Identifiers: Orphanet 107, MedGen C4551702, MONDO:0007236, OMIM 113650.
Otofaciocervical syndrome 1 (OTFCS). Identifiers: MedGen C3714941, MONDO:0024532, OMIM 166780.
Melnick-Fraser syndrome (BOR). Also called: Branchiootorenal Syndrome (BORS); Branchio-oto-renal syndrome; Branchiootorenal syndrome. Identifiers: Orphanet 107, MedGen C0265234, MONDO:0007029.
Serpentine fibula with polycystic kidney disease.
common Congenital Anomalies of the Kidney and Urinary Tract (CAKUT).

Allele frequency attached by ClinVar (database versions not stated): gnomAD 0.00011; 1000 Genomes Project 0.00040; 1000 Genomes Project 30x 0.00047.
gnomAD v4.1: 42 of 1,614,052 alleles (0.0026%); highest among the groups gnomAD compares: African/African-American, 0.029%; no homozygotes.

Submissions (5):

PreventionGenetics, part of Exact Sciences
Classification: Uncertain significance for EYA1-related condition. Last evaluated: 2026-03-08. Review status: criteria provided, single submitter. Criteria: ACMG Guidelines, 2015. Collection method: clinical testing. Allele origin: germline.
Comment: The EYA1 c.679G>A variant is predicted to result in the amino acid substitution p.Ala227Thr. This variant was reported in an individual with conotruncal heart defects (Li et al. 2018. PubMed ID: 29043394), a patient with congenital anomalies of the kidneys and urinary tract (Seltzsam et al. 2021. PubMed ID: 34906515), and in a patient with hearing loss (Table S2, Ma et al. 2023. PubMed ID: 36597107). This variant is reported in 0.025% of alleles in individuals of East Asian descent in gnomAD. Although we suspect that this variant may be benign, at this time, the clinical significance of this variant is uncertain due to the absence of conclusive functional and genetic evidence.

Labcorp Genetics (formerly Invitae), Labcorp
Classification: Likely benign for Melnick-Fraser syndrome. Last evaluated: 2025-06-12. Review status: criteria provided, single submitter. Criteria: Invitae Variant Classification Sherloc (09022015). Collection method: clinical testing. Allele origin: germline.

Fulgent Genetics
Classification: Uncertain significance for Branchiootorenal syndrome 1; Otofaciocervical syndrome 1; Branchiootic syndrome 1. Last evaluated: 2024-01-20. Review status: criteria provided, single submitter. Criteria: ACMG Guidelines, 2015. Collection method: clinical testing. Allele origin: germline.

GeneDx
Classification: Uncertain significance. Last evaluated: 2023-11-29. Review status: criteria provided, single submitter. Criteria: GeneDx Variant Classification Process June 2021. Collection method: clinical testing. Allele origin: germline. Affected: yes.
Comment: Identified in a patient with a conotruncal heart defect in published literature (PMID: 29043394); Identified in a patient with left renal agenesis and right hypoplastic kidney in published literature (PMID: 34906515); In silico analysis supports that this missense variant does not alter protein structure/function; This variant is associated with the following publications: (PMID: 29043394, 34906515)

Clinical Genomics Laboratory, Stanford Medicine
Classification: Uncertain significance for Branchio-oto-renal syndrome; common Congenital Anomalies of the Kidney and Urinary Tract (CAKUT); Serpentine fibula with polycystic kidney disease. Last evaluated: 2022-09-09. Review status: criteria provided, single submitter. Criteria: ACMG Guidelines, 2015. Collection method: clinical testing. Allele origin: germline. Observed: 1 variant allele, 1 heterozygote.

NM_000503.6(EYA1):c.679G>A (p.Ala227Thr)

Gene: EYA1 (EYA transcriptional coactivator and phosphatase 1; minus strand). Cytogenetic location: 8q13.3.
Variant type: single nucleotide variant.
Coding change: c.679G>A on transcript NM_000503.6 (MANE Select); coding-DNA position 679, G replaced by A.
Protein change: p.Ala227Thr; replaces alanine 227 with threonine.
Molecular consequence: missense variant.
Genome position (GRCh38, 1-based): chr8:71,299,194, C>T on the plus strand (G>A on the coding strand, the complement: EYA1 is on the minus strand). VCF-style: chr8-71299194-C-T. GRCh37 (hg19) VCF-style: chr8-72211429-C-T.
Other names: c.679G>A (NM_000503.4, NM_172058.3); c.661G>A, p.Ala221Thr (NM_001288574.2); c.313G>A, p.Ala105Thr (NM_001288575.2); c.766G>A, p.Ala256Thr (NM_001370333.1); c.679G>A, p.Ala227Thr (NM_001370334.1, NM_001370335.1, NM_172058.4); c.748G>A, p.Ala250Thr (NM_001370336.1); c.580G>A, p.Ala194Thr (NM_001411797.1, NM_172060.4); c.751G>A, p.Ala251Thr (NM_172059.5); short protein forms A221T, A227T, A256T, A194T, A105T, A250T, A251T.
Identifiers: ClinVar variation 2136680 (VCV002136680.8), dbSNP rs202168841, ClinGen allele CA4779686.